The following is an entry in ClinVar:

NM_004655.4(AXIN2):c.1927G>C (p.Ala643Pro)

Gene: AXIN2 (axin 2; minus strand). Cytogenetic location: 17q24.1.
Variant type: single nucleotide variant.
Coding change: c.1927G>C on transcript NM_004655.4 (MANE Select); coding-DNA position 1927, G replaced by C.
Protein change: p.Ala643Pro; replaces alanine 643 with proline.
Molecular consequence: missense variant.
Genome position (GRCh38, 1-based): chr17:65,536,534, C>G on the plus strand (G>C on the coding strand, the complement: AXIN2 is on the minus strand). VCF-style: chr17-65536534-C-G. GRCh37 (hg19) VCF-style: chr17-63532652-C-G.
Other names: p.Ala643Pro; c.1927G>C (LRG_296t1); c.1732G>C, p.Ala578Pro (NM_001363813.1); short protein forms A643P, A578P.
Identifiers: ClinVar variation 533169 (VCV000533169.23), dbSNP rs748005374, ClinGen allele CA8718455.
Genomic context (GRCh38, chr17:65,536,534, plus strand): 5'-ACAGATGGTGCCGGCTGGCTCGTTCGCCTGGAGACGAGCGGGCAGACTCCAAGGGGTAGG[C>G]CTTTTTTGTGCTTTGGGCACTAAACAAGGAATGAGCAGAGAGAAAACAGAAGGAAAGAAA-3'
Protein context (NP_004646.3, residues 633-653): KPHSAQSTKK[Ala643Pro]YPLESARSSP

ClinVar aggregate classification (germline): Conflicting classifications of pathogenicity. Review status: criteria provided, conflicting classifications (1 of 4 stars). 7 submissions from 7 submitters: Uncertain significance (5); Benign (1); Likely benign (1). Last evaluated 2026-01-13.

Conditions:
AXIN2-related disorder.
Hereditary cancer-predisposing syndrome. Also called: Hereditary neoplastic syndrome; Hereditary Cancer Syndrome; Neoplastic Syndromes, Hereditary; Tumor predisposition. Identifiers: Orphanet 140162, MedGen C0027672, MeSH D009386, MONDO:0015356.
Oligodontia-cancer predisposition syndrome. Also called: TOOTH AGENESIS-COLORECTAL CANCER SYNDROME. Identifiers: Orphanet 300576, MedGen C1837750, MONDO:0012075, OMIM 608615. Disease mechanism: loss of function.

Allele frequency attached by ClinVar (database versions not stated): TOPMed 0.00002.

Submissions (7):

Labcorp Genetics (formerly Invitae), Labcorp
Classification: Uncertain significance for Oligodontia-cancer predisposition syndrome. Last evaluated: 2026-01-13. Review status: criteria provided, single submitter. Criteria: Invitae Variant Classification Sherloc (09022015). Collection method: clinical testing. Allele origin: germline.
Comment: This sequence change replaces alanine, which is neutral and non-polar, with proline, which is neutral and non-polar, at codon 643 of the AXIN2 protein (p.Ala643Pro). This variant is present in population databases (rs748005374, gnomAD 0.04%), and has an allele count higher than expected for a pathogenic variant. This variant has not been reported in the literature in individuals affected with AXIN2-related conditions. ClinVar contains an entry for this variant (Variation ID: 533169). Invitae Evidence Modeling of protein sequence and biophysical properties (such as structural, functional, and spatial information, amino acid conservation, physicochemical variation, residue mobility, and thermodynamic stability) indicates that this missense variant is not expected to disrupt AXIN2 protein function with a negative predictive value of 80%. In summary, the available evidence is currently insufficient to determine the role of this variant in disease. Therefore, it has been classified as a Variant of Uncertain Significance.

PreventionGenetics, part of Exact Sciences
Classification: Uncertain significance for AXIN2-related condition. Last evaluated: 2025-12-19. Review status: criteria provided, single submitter. Criteria: ACMG Guidelines, 2015. Collection method: clinical testing. Allele origin: germline.
Comment: The AXIN2 c.1927G>C variant is predicted to result in the amino acid substitution p.Ala643Pro. To our knowledge, this variant has not been reported in the literature. This variant is reported in 0.039% of alleles in individuals of South Asian descent in gnomAD. This variant has conflicting interpretations in ClinVar ranging from uncertain to benign (Variation ID: 533169). At this time, the clinical significance of this variant is uncertain due to the absence of conclusive functional and genetic evidence.

Ambry Genetics
Classification: Benign for Hereditary cancer-predisposing syndrome. Last evaluated: 2025-03-17. Review status: criteria provided, single submitter. Criteria: Ambry Variant Classification Scheme 2023. Collection method: clinical testing. Allele origin: germline.

GeneDx
Classification: Uncertain significance. Last evaluated: 2022-11-30. Review status: criteria provided, single submitter. Criteria: GeneDx Variant Classification Process June 2021. Collection method: clinical testing. Allele origin: germline. Affected: yes.
Comment: In silico analysis supports that this missense variant does not alter protein structure/function; Has not been previously published as pathogenic or benign to our knowledge

St. Jude Molecular Pathology, St. Jude Children's Research Hospital
Classification: Uncertain significance for Oligodontia-cancer predisposition syndrome. Last evaluated: 2022-09-22. Review status: criteria provided, single submitter. Criteria: St. Jude Assertion Criteria 2020. Collection method: clinical testing. Allele origin: germline.
Comment: The AXIN2 c.1927G>C (p.Ala643Pro) missense change has a maximum subpopulation frequency of 0.039% in gnomAD v2.1.1. The in silico tool REVEL predicts a benign effect on protein function, but to our knowledge this prediction has not been confirmed by functional studies. To our knowledge, this variant has not been reported in individuals with oligodontia-cancer predisposition syndrome. In summary, the evidence currently available is insufficient to determine the clinical significance of this variant. It has therefore been classified as of uncertain significance.

Mayo Clinic Laboratories, Mayo Clinic
Classification: Uncertain significance. Last evaluated: 2021-12-17. Review status: criteria provided, single submitter. Criteria: ACMG Guidelines, 2015. Collection method: clinical testing. Allele origin: germline.

Sema4
Classification: Likely benign for Hereditary cancer-predisposing syndrome. Last evaluated: 2021-05-18. Review status: criteria provided, single submitter. Criteria: Sema4 Curation Guidelines. Collection method: curation. Allele origin: germline.